The following is an entry in ClinVar:

NM_017934.7(PHIP):c.2025A>G (p.Ile675Met)

Gene: PHIP (PHIP subunit of CUL4-Ring ligase complex; minus strand). Cytogenetic location: 6q14.1.
Variant type: single nucleotide variant.
Coding change: c.2025A>G on transcript NM_017934.7 (MANE Select); coding-DNA position 2025, A replaced by G.
Protein change: p.Ile675Met; replaces isoleucine 675 with methionine.
Molecular consequence: missense variant.
Genome position (GRCh38, 1-based): chr6:78,997,590, T>C on the plus strand (A>G on the coding strand, the complement: PHIP is on the minus strand). VCF-style: chr6-78997590-T-C. GRCh37 (hg19) VCF-style: chr6-79707307-T-C.
Other names: short protein forms I675M.
Identifiers: ClinVar variation 4781473 (VCV004781473.1).
Genomic context (GRCh38, chr6:78,997,590, plus strand): 5'-AATTTGTCCACTACGTCTTAGTCCTACGTTTGGTGGTGAATGAACCTCTGAGGTAGAACT[T>C]ATGGAGCCTAAGTGAAAAAGTTACTATATTAAGTTCTACTTAGAGATATTTCTCCATTAG-3'
Protein context (NP_060404.4, residues 665-685): SNTSRLSRGS[Ile675Met]SSTSEVHSPP

ClinVar aggregate classification (germline): Uncertain significance (1 of 4 stars; one submission).

Submission:

Labcorp Genetics (formerly Invitae), Labcorp
Classification: Uncertain significance. Last evaluated: 2025-06-15. Review status: criteria provided, single submitter. Criteria: Invitae Variant Classification Sherloc (09022015). Collection method: clinical testing. Allele origin: germline.
Comment: This sequence change replaces isoleucine, which is neutral and non-polar, with methionine, which is neutral and non-polar, at codon 675 of the PHIP protein (p.Ile675Met). This variant is not present in population databases (gnomAD no frequency). This variant has not been reported in the literature in individuals affected with PHIP-related conditions. Invitae Evidence Modeling of protein sequence and biophysical properties (such as structural, functional, and spatial information, amino acid conservation, physicochemical variation, residue mobility, and thermodynamic stability) indicates that this missense variant is not expected to disrupt PHIP protein function with a negative predictive value of 95%. In summary, the available evidence is currently insufficient to determine the role of this variant in disease. Therefore, it has been classified as a Variant of Uncertain Significance.